The following is an entry in ClinVar:

NM_001282531.3(ADNP):c.3279C>T (p.Ala1093=)

Gene: ADNP (activity dependent neuroprotector homeobox; minus strand). Cytogenetic location: 20q13.13.
Variant type: single nucleotide variant.
Coding change: c.3279C>T on transcript NM_001282531.3 (MANE Select); coding-DNA position 3279, C replaced by T.
Protein change: p.Ala1093=; no amino-acid change (alanine 1093 retained).
Molecular consequence: synonymous variant.
Genome position (GRCh38, 1-based): chr20:50,891,435, G>A on the plus strand (C>T on the coding strand, the complement: ADNP is on the minus strand). VCF-style: chr20-50891435-G-A. GRCh37 (hg19) VCF-style: chr20-49507972-G-A.
Other names: c.3279C>T, p.Ala1093= (NM_001282532.2, NM_001347511.2, NM_015339.5 and 1 more transcripts); c.3279C>T (NM_001282531.2).
Identifiers: ClinVar variation 434090 (VCV000434090.33), dbSNP rs142247083, ClinGen allele CA9908417.

ClinVar aggregate classification (germline): Benign/Likely benign. Review status: criteria provided, multiple submitters, no conflicts (2 of 4 stars). 8 submissions from 8 submitters: Benign (4); Likely benign (3). 1 of the submissions does not count toward it. Last evaluated 2026-02-03.

Conditions:
ADNP-related disorder. Also called: ADNP-related condition.
Inborn genetic diseases. Identifiers: MedGen C0950123, MeSH D030342.
ADNP-related multiple congenital anomalies - intellectual disability - autism spectrum disorder. Also called: ADNP-Related Helsmoortel-Van der Aa Syndrome; Helsmoortel-Van der Aa Syndrome. Identifiers: Orphanet 404448, MedGen C4014538, MONDO:0014379, OMIM 615873. Disease mechanism: loss of function.

Allele frequency attached by ClinVar (database versions not stated): ExAC 0.00087; gnomAD exomes 0.00090 and 0.00192; gnomAD 0.00092 and 0.00097; TOPMed 0.00107; ESP Exome Variant Server 0.00177.
gnomAD v4.1: 2,891 of 1,610,974 alleles (0.18%); highest among the groups gnomAD compares: Non-Finnish European, 0.23%; 7 homozygotes.

Submissions (8):

Labcorp Genetics (formerly Invitae), Labcorp
Classification: Benign. Last evaluated: 2026-02-03. Review status: criteria provided, single submitter. Criteria: Invitae Variant Classification Sherloc (09022015). Collection method: clinical testing. Allele origin: germline.

CeGaT Center for Human Genetics Tuebingen
Classification: Likely benign. Last evaluated: 2025-12-01. Review status: criteria provided, single submitter. Criteria: CeGaT Center For Human Genetics Tuebingen Variant Classification Criteria Version 2. Collection method: clinical testing. Allele origin: germline. Affected: yes. Observed: 2 variant alleles.
Comment: ADNP: BP4, BP7, BS1

Blueprint Genetics
Classification: Likely benign. Last evaluated: 2024-10-10. Review status: criteria provided, single submitter. Criteria: ACMG Guidelines, 2015. Collection method: clinical testing. Allele origin: germline.

Genome-Nilou Lab
Classification: Benign for ADNP-related multiple congenital anomalies - intellectual disability - autism spectrum disorder. Last evaluated: 2021-12-05. Review status: criteria provided, single submitter. Criteria: ACMG Guidelines, 2015. Collection method: clinical testing. Allele origin: germline. Affected: no.

GeneDx
Classification: Benign. Last evaluated: 2020-01-27. Review status: criteria provided, single submitter. Criteria: GeneDx Variant Classification Process June 2021. Collection method: clinical testing. Allele origin: germline. Affected: yes.

Genetic Services Laboratory, University of Chicago
Classification: Benign. Last evaluated: 2016-10-31. Review status: criteria provided, single submitter. Criteria: ACMG Guidelines, 2015. Collection method: clinical testing. Allele origin: germline. Affected: no.

Ambry Genetics
Classification: Likely benign for Inborn genetic diseases. Last evaluated: 2016-07-01. Review status: criteria provided, single submitter. Criteria: Ambry Variant Classification Scheme 2023. Collection method: clinical testing. Allele origin: germline.

PreventionGenetics, part of Exact Sciences
Classification: Likely benign for ADNP-related condition. Last evaluated: 2020-01-10. Review status: no assertion criteria provided. Collection method: clinical testing. Allele origin: germline. Not counted in ClinVar's aggregate classification.
Comment: This variant is classified as likely benign based on ACMG/AMP sequence variant interpretation guidelines (Richards et al. 2015 PMID: 25741868, with internal and published modifications).